The following is an entry in ClinVar:

ClinVar aggregate classification (germline): Uncertain significance (1 of 4 stars; one submission).

Allele frequency attached by ClinVar (database versions not stated): gnomAD exomes below 0.00001; TOPMed below 0.00001.
gnomAD v4.1: 3 of 1,587,084 alleles (0.00019%); highest among the groups gnomAD compares: Non-Finnish European, 0.00017%; no homozygotes.

Submission:

Labcorp Genetics (formerly Invitae), Labcorp
Classification: Uncertain significance. Last evaluated: 2023-08-28. Review status: criteria provided, single submitter. Criteria: Invitae Variant Classification Sherloc (09022015). Collection method: clinical testing. Allele origin: germline.
Comment: In summary, the available evidence is currently insufficient to determine the role of this variant in disease. Therefore, it has been classified as a Variant of Uncertain Significance. Advanced modeling of protein sequence and biophysical properties (such as structural, functional, and spatial information, amino acid conservation, physicochemical variation, residue mobility, and thermodynamic stability) performed at Invitae indicates that this missense variant is not expected to disrupt BACH2 protein function. This variant has not been reported in the literature in individuals affected with BACH2-related conditions. This variant is not present in population databases (gnomAD no frequency). This sequence change replaces alanine, which is neutral and non-polar, with proline, which is neutral and non-polar, at codon 369 of the BACH2 protein (p.Ala369Pro).

NM_021813.4(BACH2):c.1105G>C (p.Ala369Pro)

Gene: BACH2 (BACH transcriptional regulator 2; minus strand). Cytogenetic location: 6q15.
Variant type: single nucleotide variant.
Coding change: c.1105G>C on transcript NM_021813.4 (MANE Select); coding-DNA position 1105, G replaced by C.
Protein change: p.Ala369Pro; replaces alanine 369 with proline.
Molecular consequence: missense variant.
Genome position (GRCh38, 1-based): chr6:89,951,001, C>G on the plus strand (G>C on the coding strand, the complement: BACH2 is on the minus strand). VCF-style: chr6-89951001-C-G. GRCh37 (hg19) VCF-style: chr6-90660720-C-G.
Other names: c.1105G>C, p.Ala369Pro (NM_001170794.2); short protein forms A369P.
Identifiers: ClinVar variation 2813953 (VCV002813953.3), dbSNP rs1774062248, ClinGen allele CA365071553.